The following is an entry in ClinVar:

ClinVar aggregate classification (germline): Uncertain significance (1 of 4 stars; one submission).

Conditions:
Jeune thoracic dystrophy. Also called: Jeune syndrome; Infantile thoracic dystrophy; Thoracic pelvic phalangeal dystrophy; Jeune's syndrome; Chondroectodermal dysplasia-like syndrome; Short-rib thoracic dysplasia. Identifiers: Orphanet 474, MedGen C0265275, MONDO:0018770.
Nephronophthisis. Also called: Juvenile Nephronophthisis. Identifiers: Orphanet 655, MedGen C0687120, MONDO:0019005, HP:0000090.

Submission:

Labcorp Genetics (formerly Invitae), Labcorp
Classification: Uncertain significance for Jeune thoracic dystrophy; Nephronophthisis. Last evaluated: 2022-08-16. Review status: criteria provided, single submitter. Criteria: Invitae Variant Classification Sherloc (09022015). Collection method: clinical testing. Allele origin: germline.
Comment: This sequence change replaces lysine, which is basic and polar, with glutamic acid, which is acidic and polar, at codon 603 of the TTC21B protein (p.Lys603Glu). This variant is not present in population databases (gnomAD no frequency). This variant has not been reported in the literature in individuals affected with TTC21B-related conditions. Algorithms developed to predict the effect of missense changes on protein structure and function output the following: SIFT: "Deleterious"; PolyPhen-2: "Benign"; Align-GVGD: "Class C0". The glutamic acid amino acid residue is found in multiple mammalian species, which suggests that this missense change does not adversely affect protein function. In summary, the available evidence is currently insufficient to determine the role of this variant in disease. Therefore, it has been classified as a Variant of Uncertain Significance.

NM_024753.5(TTC21B):c.1807A>G (p.Lys603Glu)

Gene: TTC21B (tetratricopeptide repeat domain 21B; minus strand). Cytogenetic location: 2q24.3.
Variant type: single nucleotide variant.
Coding change: c.1807A>G on transcript NM_024753.5 (MANE Select); coding-DNA position 1807, A replaced by G.
Protein change: p.Lys603Glu; replaces lysine 603 with glutamic acid.
Molecular consequence: missense variant.
Genome position (GRCh38, 1-based): chr2:165,917,349, T>C on the plus strand (A>G on the coding strand, the complement: TTC21B is on the minus strand). VCF-style: chr2-165917349-T-C. GRCh37 (hg19) VCF-style: chr2-166773859-T-C.
Other names: short protein forms K603E.
Identifiers: ClinVar variation 2051498 (VCV002051498.4), dbSNP rs2468180962, ClinGen allele CA349060054.